The following is an entry in ClinVar:

ClinVar aggregate classification (germline): Uncertain significance (1 of 4 stars; one submission).

Conditions:
Hereditary cancer-predisposing syndrome. Also called: Tumor predisposition; Neoplastic Syndromes, Hereditary; Hereditary neoplastic syndrome; Hereditary Cancer Syndrome. Identifiers: Orphanet 140162, MedGen C0027672, MeSH D009386, MONDO:0015356.

Submission:

Ambry Genetics
Classification: Uncertain significance for Hereditary cancer-predisposing syndrome. Last evaluated: 2024-09-01. Review status: criteria provided, single submitter. Criteria: Ambry Variant Classification Scheme 2023. Collection method: clinical testing. Allele origin: germline.
Comment: The p.E1258A variant (also known as c.3773A>C), located in coding exon 25 of the SMARCA4 gene, results from an A to C substitution at nucleotide position 3773. The glutamic acid at codon 1258 is replaced by alanine, an amino acid with dissimilar properties. This amino acid position is conserved. In addition, this alteration is predicted to be deleterious by in silico analysis. Based on the available evidence, the clinical significance of this variant remains unclear.

NM_003072.5(SMARCA4):c.3773A>C (p.Glu1258Ala)

Gene: SMARCA4 (SWI/SNF related BAF chromatin remodeling complex subunit ATPase 4; plus strand). Cytogenetic location: 19p13.2.
Variant type: single nucleotide variant.
Coding change: c.3773A>C on transcript NM_003072.5 (MANE Select); coding-DNA position 3773, A replaced by C.
Protein change: p.Glu1258Ala; replaces glutamic acid 1258 with alanine.
Molecular consequence: missense variant. On other transcripts: non-coding transcript variant (1).
Genome position (GRCh38, 1-based): chr19:11,033,516, A>C. VCF-style: chr19-11033516-A-C. GRCh37 (hg19) VCF-style: chr19-11144192-A-C.
Other names: c.3773A>C, p.Glu1258Ala (NM_001128844.3, NM_001128845.2, NM_001128846.2 and 6 more transcripts); short protein forms E1258A.
Identifiers: ClinVar variation 3445992 (VCV003445992.1).